The following is an entry in ClinVar:

ClinVar aggregate classification (germline): Uncertain significance (1 of 4 stars; one submission).

gnomAD v4.1: 5 of 1,613,400 alleles (0.00031%); highest among the groups gnomAD compares: African/African-American, 0.0067%; no homozygotes.

Submission:

GeneDx
Classification: Uncertain significance. Last evaluated: 2025-03-12. Review status: criteria provided, single submitter. Criteria: GeneDx Variant Classification Process June 2021. Collection method: clinical testing. Allele origin: germline. Affected: yes.
Comment: Canonical splice site variant predicted to result in a null allele in a gene for which loss of function is a known mechanism of disease; Has not been previously published as pathogenic or benign to our knowledge

NM_138295.5(PKD1L1):c.7089+1G>A

Genes: PKD1L1 (polycystin 1 like 1, transient receptor potential channel interacting; minus strand), PKD1L1-AS1 (PKD1L1 antisense RNA 1; plus strand). Cytogenetic location: 7p12.3.
Variant type: single nucleotide variant.
Coding change: c.7089+1G>A on transcript NM_138295.5 (MANE Select); the canonical splice donor site of the intron after coding-DNA position 7089, G replaced by A.
Molecular consequence: splice donor variant.
Genome position (GRCh38, 1-based): chr7:47,815,333, C>T on the plus strand (G>A on the coding strand, the complement: PKD1L1 is on the minus strand). VCF-style: chr7-47815333-C-T. GRCh37 (hg19) VCF-style: chr7-47854931-C-T.
Identifiers: ClinVar variation 4083132 (VCV004083132.1).
Genomic context (GRCh38, chr7:47,815,333, plus strand): 5'-CACCCACTGCAAGATAGCTTTTCTGAGATGATCTCCTATGAAGAGGAGACGGAAAGCTCA[C>T]CTGAGCCCCCGGCACACGGGCTGACGGGGTGCCTCCCGGGTACAGGCCATCCAGAAGTGT-3'